The following is an entry in ClinVar:

ClinVar aggregate classification (germline): Pathogenic (1 of 4 stars; one submission).

Conditions:
Ichthyosis linearis circumflexa. Identifiers: MedGen C0265962, MONDO:0043106, HP:0025810.

Submission:

Labcorp Genetics (formerly Invitae), Labcorp
Classification: Pathogenic for Ichthyosis linearis circumflexa. Last evaluated: 2023-11-18. Review status: criteria provided, single submitter. Criteria: Invitae Variant Classification Sherloc (09022015). Collection method: clinical testing. Allele origin: unknown.
Comment: A gross deletion of the genomic region encompassing the full coding sequence of the SPINK5 gene has been identified. Loss-of-function variants in SPINK5 are known to be pathogenic (PMID: 11511292, 11841556). The boundaries of this event are unknown as they extend beyond the assayed region for this gene and therefore may encompass additional genes. A similar copy number variant has been observed in individual(s) with Netherton syndrome and/or primary immunodeficiency disease (PMID: 16601670, 31795557, 34138484). For these reasons, this variant has been classified as Pathogenic.

Literature cited by the submitters: PubMed 11511292; PubMed 11841556; PubMed 16601670; PubMed 31795557; PubMed 34138484.

NC_000005.9:g.(?_147204224)_(147516554_?)del

Genes: C5orf46 (chromosome 5 open reading frame 46; minus strand), SCGB3A2 (secretoglobin family 3A member 2; plus strand), SPINK1 (serine peptidase inhibitor Kazal type 1; minus strand), SPINK5 (serine peptidase inhibitor Kazal type 5; plus strand). Cytogenetic location: 5q32.
Variant type: Deletion.
Identifiers: ClinVar variation 3246298 (VCV003246298.1).